The following is an entry in ClinVar:

NM_000053.4(ATP7B):c.2464A>C (p.Met822Leu)

Gene: ATP7B (ATPase copper transporting beta; minus strand). Cytogenetic location: 13q14.3.
Variant type: single nucleotide variant.
Coding change: c.2464A>C on transcript NM_000053.4 (MANE Select); coding-DNA position 2464, A replaced by C.
Protein change: p.Met822Leu; replaces methionine 822 with leucine.
Molecular consequence: missense variant. On other transcripts: intron variant (1).
Genome position (GRCh38, 1-based): chr13:51,950,383, T>G on the plus strand (A>C on the coding strand, the complement: ATP7B is on the minus strand). VCF-style: chr13-51950383-T-G. GRCh37 (hg19) VCF-style: chr13-52524519-T-G.
Other names: c.1978A>C, p.Met660Leu (NM_001005918.3, NM_001406541.1, NM_001406542.1 and 1 more transcripts); c.2131A>C, p.Met711Leu (NM_001243182.2); c.2230A>C, p.Met744Leu (NM_001330578.2, NM_001406527.1, NM_001406528.1 and 2 more transcripts); c.2212A>C, p.Met738Leu (NM_001330579.2, NM_001406531.1, NM_001406532.1 and 1 more transcripts); c.2464A>C, p.Met822Leu (NM_001406511.1, NM_001406512.1, NM_001406513.1 and 7 more transcripts); c.2431A>C, p.Met811Leu (NM_001406514.1); c.2224A>C, p.Met742Leu (NM_001406530.1); c.2134A>C, p.Met712Leu (NM_001406536.1); and 8 more; short protein forms M606L, M628L, M660L, M679L, M706L, M711L, M712L, M738L.
Identifiers: ClinVar variation 4757607 (VCV004757607.1).

ClinVar aggregate classification (germline): Uncertain significance (1 of 4 stars; one submission).

Conditions:
Wilson disease (WND). Also called: Wilson's disease. Identifiers: Orphanet 905, MedGen C0019202, MONDO:0010200, OMIM 277900. Disease mechanism: loss of function.

Submission:

Color Diagnostics, LLC DBA Color Health
Classification: Uncertain significance for Wilson disease. Last evaluated: 2025-07-03. Review status: criteria provided, single submitter. Criteria: ACMG Guidelines, 2015. Collection method: clinical testing. Allele origin: germline.
Comment: This missense variant replaces methionine with leucine at codon 822 of the ATP7B protein. Computational prediction suggests that this variant may not impact protein structure and function. To our knowledge, functional studies have not been reported for this variant. This variant has not been reported in individuals affected with ATP7B-related disorders in the literature. This variant has not been identified in the general population by the Genome Aggregation Database (gnomAD). The available evidence is insufficient to determine the role of this variant in disease conclusively. Therefore, this variant is classified as a Variant of Uncertain Significance.